The following is an entry in ClinVar:

NM_005188.4(CBL):c.*8048G>A

Gene: CBL (Cbl proto-oncogene; plus strand). Cytogenetic location: 11q23.3.
Variant type: single nucleotide variant.
Coding change: c.*8048G>A on transcript NM_005188.4 (MANE Select); 8048 bases downstream of the stop codon, G replaced by A.
Molecular consequence: 3 prime UTR variant.
Genome position (GRCh38, 1-based): chr11:119,307,829, G>A. VCF-style: chr11-119307829-G-A. GRCh37 (hg19) VCF-style: chr11-119178539-G-A.
Identifiers: ClinVar variation 302914 (VCV000302914.5), dbSNP rs151221935, ClinGen allele CA10630066.

ClinVar aggregate classification (germline): Benign (1 of 4 stars; one submission).

Conditions:
CBL-related disorder. Also called: NOONAN SYNDROME-LIKE DISORDER WITHOUT JUVENILE MYELOMONOCYTIC LEUKEMIA; CBL MUTATION-ASSOCIATED SYNDROME; CBL SYNDROME. Identifiers: Orphanet 363972, MedGen C3150803, MONDO:0013308, OMIM 613563.

Allele frequency attached by ClinVar (database versions not stated): gnomAD exomes 0.00283; gnomAD 0.00721 and 0.00741; TOPMed 0.00808; 1000 Genomes Project 30x 0.01140; 1000 Genomes Project 0.01158.
gnomAD v4.1: 1,286 of 209,654 alleles (0.61%); highest among the groups gnomAD compares: African/African-American, 2%; 13 homozygotes.

Submission:

Illumina Laboratory Services, Illumina
Classification: Benign for CBL-related disorder. Last evaluated: 2018-01-13. Review status: criteria provided, single submitter. Criteria: ICSL Variant Classification Criteria 13 December 2019. Collection method: clinical testing. Allele origin: germline.
Comment: This variant was observed in the ICSL laboratory as part of a predisposition screen in an ostensibly healthy population. It had not been previously curated by ICSL or reported in the Human Gene Mutation Database (HGMD: prior to June 1st, 2018), and was therefore a candidate for classification through an automated scoring system. Utilizing variant allele frequency, disease prevalence and penetrance estimates, and inheritance mode, an automated score was calculated to assess if this variant is too frequent to cause the disease. Based on the score and internal cut-off values, a variant classified as benign is not then subjected to further curation. The score for this variant resulted in a classification of benign for this disease.